The following is an entry in ClinVar:

ClinVar aggregate classification (germline): Uncertain significance (0 of 4 stars; one submission).

Conditions:
BDNF-related disorder. Also called: BDNF-related condition.

Submission:

PreventionGenetics, part of Exact Sciences
Classification: Uncertain significance for BDNF-related condition. Last evaluated: 2024-03-15. Review status: no assertion criteria provided. Collection method: clinical testing. Allele origin: germline.
Comment: The BDNF c.809C>G variant is predicted to result in the amino acid substitution p.Pro270Arg. To our knowledge, this variant has not been reported in the literature or in a large population database, indicating this variant is rare. At this time, the clinical significance of this variant is uncertain due to the absence of conclusive functional and genetic evidence.

NM_001709.5(BDNF):c.563C>G (p.Pro188Arg)

Genes: BDNF (brain derived neurotrophic factor; minus strand), BDNF-AS (BDNF antisense RNA; plus strand). Cytogenetic location: 11p14.1.
Variant type: single nucleotide variant.
Coding change: c.563C>G on transcript NM_001709.5 (MANE Select); coding-DNA position 563, C replaced by G.
Protein change: p.Pro188Arg; replaces proline 188 with arginine.
Molecular consequence: missense variant.
Genome position (GRCh38, 1-based): chr11:27,658,002, G>C on the plus strand (C>G on the coding strand, the complement: BDNF is on the minus strand). VCF-style: chr11-27658002-G-C. GRCh37 (hg19) VCF-style: chr11-27679549-G-C.
Other names: c.563C>G, p.Pro188Arg (NM_001143805.1, NM_001143806.1, NM_001143807.2 and 9 more transcripts); c.650C>G, p.Pro217Arg (NM_001143809.2); c.809C>G, p.Pro270Arg (NM_001143810.2); c.587C>G, p.Pro196Arg (NM_170731.5); c.608C>G, p.Pro203Arg (NM_170734.4); short protein forms P188R, P196R, P203R, P217R, P270R.
Identifiers: ClinVar variation 3349325 (VCV003349325.1).